The following is an entry in ClinVar:

NM_014314.4(RIGI):c.492G>T (p.Lys164Asn)

Gene: RIGI (RNA sensor RIG-I; minus strand). Cytogenetic location: 9p21.1.
Variant type: single nucleotide variant.
Coding change: c.492G>T on transcript NM_014314.4 (MANE Select); coding-DNA position 492, G replaced by T.
Protein change: p.Lys164Asn; replaces lysine 164 with asparagine.
Molecular consequence: missense variant. On other transcripts: intron variant (1).
Genome position (GRCh38, 1-based): chr9:32,492,470, C>A on the plus strand (G>T on the coding strand, the complement: RIGI is on the minus strand). VCF-style: chr9-32492470-C-A. GRCh37 (hg19) VCF-style: chr9-32492468-C-A.
Other names: c.492G>T, p.Lys164Asn (NM_001385907.1, NM_001385909.1); c.51G>T, p.Lys17Asn (NM_001385910.1, NM_001385914.1); c.477G>T, p.Lys159Asn (NM_001385913.1); c.-38-1050G>T (NM_001385912.1); short protein forms K159N, K164N, K17N.
Identifiers: ClinVar variation 1517790 (VCV001517790.6), dbSNP rs2118821745, ClinGen allele CA373163481.

ClinVar aggregate classification (germline): Uncertain significance (1 of 4 stars; one submission).

Allele frequency attached by ClinVar (database versions not stated): gnomAD exomes below 0.00001.
gnomAD v4.1: 1 of 1,614,132 alleles (0.000062%); highest among the groups gnomAD compares: Non-Finnish European, 0.000085%; no homozygotes.

Submission:

Labcorp Genetics (formerly Invitae), Labcorp
Classification: Uncertain significance. Last evaluated: 2021-09-15. Review status: criteria provided, single submitter. Criteria: Invitae Variant Classification Sherloc (09022015). Collection method: clinical testing. Allele origin: germline.
Comment: In summary, the available evidence is currently insufficient to determine the role of this variant in disease. Therefore, it has been classified as a Variant of Uncertain Significance. Algorithms developed to predict the effect of missense changes on protein structure and function are either unavailable or do not agree on the potential impact of this missense change (SIFT: "Tolerated"; PolyPhen-2: "Probably Damaging"; Align-GVGD: "Class C0"). This variant has not been reported in the literature in individuals affected with DDX58-related conditions. This variant is not present in population databases (ExAC no frequency). This sequence change replaces lysine with asparagine at codon 164 of the DDX58 protein (p.Lys164Asn). The lysine residue is moderately conserved and there is a moderate physicochemical difference between lysine and asparagine.